The following is an entry in ClinVar:

ClinVar aggregate classification (germline): Uncertain significance (1 of 4 stars; one submission).

Conditions:
Legius syndrome. Identifiers: Orphanet 137605, MedGen C1969623, MONDO:0012669, OMIM 611431. Disease mechanism: loss of function.

Submission:

Labcorp Genetics (formerly Invitae), Labcorp
Classification: Uncertain significance for Legius syndrome. Last evaluated: 2021-12-29. Review status: criteria provided, single submitter. Criteria: Invitae Variant Classification Sherloc (09022015). Collection method: clinical testing. Allele origin: germline.
Comment: Algorithms developed to predict the effect of missense changes on protein structure and function (SIFT, PolyPhen-2, Align-GVGD) all suggest that this variant is likely to be disruptive. In summary, the available evidence is currently insufficient to determine the role of this variant in disease. Therefore, it has been classified as a Variant of Uncertain Significance. This variant has not been reported in the literature in individuals affected with SPRED1-related conditions. This variant is not present in population databases (gnomAD no frequency). This sequence change replaces cysteine, which is neutral and slightly polar, with serine, which is neutral and polar, at codon 391 of the SPRED1 protein (p.Cys391Ser).

NM_152594.3(SPRED1):c.1172G>C (p.Cys391Ser)

Gene: SPRED1 (sprouty related EVH1 domain containing 1; plus strand). Cytogenetic location: 15q14.
Variant type: single nucleotide variant.
Coding change: c.1172G>C on transcript NM_152594.3 (MANE Select); coding-DNA position 1172, G replaced by C.
Protein change: p.Cys391Ser; replaces cysteine 391 with serine.
Molecular consequence: missense variant.
Genome position (GRCh38, 1-based): chr15:38,351,501, G>C. VCF-style: chr15-38351501-G-C. GRCh37 (hg19) VCF-style: chr15-38643702-G-C.
Other names: short protein forms C391S.
Identifiers: ClinVar variation 2170313 (VCV002170313.4), dbSNP rs2542744118, ClinGen allele CA391934421.
Genomic context (GRCh38, chr15:38,351,501, plus strand): 5'-GTGCAGAGAGCATGTTGTATCATTGTATGTCAGACTCAGAGGGAGATTTTTCTGATCCCT[G>C]TTCGTGTGACACTAGCGACGACAAGTTCTGCTTGCGATGGTTAGCCCTGGTAGCTTTGTC-3'
Protein context (NP_689807.1, residues 381-401): SDSEGDFSDP[Cys391Ser]SCDTSDDKFC